The following is an entry in ClinVar:

ClinVar aggregate classification (germline): Conflicting classifications of pathogenicity. Review status: criteria provided, conflicting classifications (1 of 4 stars). 3 submissions from 3 submitters: Pathogenic (1); Likely pathogenic (1); Uncertain significance (1). Last evaluated 2026-07-01.

Conditions:
Congenital fibrosis of extraocular muscles. Also called: Congenital Fibrosis of the Extraocular Muscles. Identifiers: Orphanet 45358, MedGen C1302995, MONDO:0007614, HP:0001491.
Brain malformation. Also called: Brain malformations. Identifiers: Orphanet 199633, MedGen C0266449.
Complex cortical dysplasia with other brain malformations 1. Identifiers: Orphanet 300570, MedGen C3808397, MONDO:0013541, OMIM 614039.

Submissions (3):

CeGaT Center for Human Genetics Tuebingen
Classification: Uncertain significance. Last evaluated: 2026-07-01. Review status: criteria provided, single submitter. Criteria: CeGaT Center For Human Genetics Tuebingen Variant Classification Criteria Version 2. Collection method: clinical testing. Allele origin: germline. Affected: yes. Observed: 1 variant allele.
Comment: TUBB3: PM2, PP2, PP3, PS4:Supporting

GeneDx
Classification: Pathogenic. Last evaluated: 2025-10-25. Review status: criteria provided, single submitter. Criteria: GeneDx Variant Classification Process June 2021. Collection method: clinical testing. Allele origin: germline. Affected: yes.
Comment: In silico analysis supports that this missense variant has a deleterious effect on protein structure/function; Missense variants in this gene are often considered pathogenic (HGMD); Not observed at significant frequency in large population cohorts (gnomAD); This variant is associated with the following publications: (PMID: 20829227, 38059438, 26582918)

Provincial Medical Genetics Program of British Columbia, University of British Columbia
Classification: Likely pathogenic for Complex cortical dysplasia with other brain malformations 1. Last evaluated: 2022-01-01. Review status: criteria provided, single submitter. Criteria: ACMG Guidelines, 2015. Collection method: clinical testing. Allele origin: de novo. Affected: yes.

NM_006086.4(TUBB3):c.424G>A (p.Gly142Ser)

Gene: TUBB3 (tubulin beta 3 class III; plus strand). Cytogenetic location: 16q24.3.
Variant type: single nucleotide variant.
Coding change: c.424G>A on transcript NM_006086.4 (MANE Select); coding-DNA position 424, G replaced by A.
Protein change: p.Gly142Ser; replaces glycine 142 with serine.
Molecular consequence: missense variant.
Genome position (GRCh38, 1-based): chr16:89,934,875, G>A. VCF-style: chr16-89934875-G-A. GRCh37 (hg19) VCF-style: chr16-90001283-G-A.
Other names: c.208G>A, p.Gly70Ser (NM_001197181.2); short protein forms G142S, G70S.
Identifiers: ClinVar variation 430312 (VCV000430312.10), dbSNP rs1131691895, ClinGen allele CA397474481.